The following is an entry in ClinVar:

ClinVar aggregate classification (germline): Uncertain significance (1 of 4 stars; one submission).

Allele frequency attached by ClinVar (database versions not stated): gnomAD exomes below 0.00001.

Submission:

Labcorp Genetics (formerly Invitae), Labcorp
Classification: Uncertain significance. Last evaluated: 2022-08-19. Review status: criteria provided, single submitter. Criteria: Invitae Variant Classification Sherloc (09022015). Collection method: clinical testing. Allele origin: germline.
Comment: ClinVar contains an entry for this variant (Variation ID: 1494493). In summary, the available evidence is currently insufficient to determine the role of this variant in disease. Therefore, it has been classified as a Variant of Uncertain Significance. Algorithms developed to predict the effect of missense changes on protein structure and function are either unavailable or do not agree on the potential impact of this missense change (SIFT: "Not Available"; PolyPhen-2: "Possibly Damaging"; Align-GVGD: "Not Available"). This variant has not been reported in the literature in individuals affected with CFD-related conditions. This variant is not present in population databases (gnomAD no frequency). This sequence change replaces methionine with isoleucine at codon 40 of the CFD protein (p.Met40Ile). The methionine residue is highly conserved and there is a small physicochemical difference between methionine and isoleucine.

NM_001928.4(CFD):c.120G>A (p.Met40Ile)

Gene: CFD (complement factor D; plus strand). Cytogenetic location: 19p13.3.
Variant type: single nucleotide variant.
Coding change: c.120G>A on transcript NM_001928.4 (MANE Select); coding-DNA position 120, G replaced by A.
Protein change: p.Met40Ile; replaces methionine 40 with isoleucine.
Molecular consequence: missense variant.
Genome position (GRCh38, 1-based): chr19:860,681, G>A. VCF-style: chr19-860681-G-A. GRCh37 (hg19) VCF-style: chr19-860681-G-A.
Other names: c.141G>A, p.Met47Ile (NM_001317335.2); short protein forms M40I, M47I.
Identifiers: ClinVar variation 1494493 (VCV001494493.6), dbSNP rs2145160269, ClinGen allele CA402920642.